The following is an entry in ClinVar:

NM_001009944.3(PKD1):c.1814T>G (p.Leu605Arg)

Gene: PKD1 (polycystin 1, transient receptor potential channel interacting; minus strand). Cytogenetic location: 16p13.3.
Variant type: single nucleotide variant.
Coding change: c.1814T>G on transcript NM_001009944.3 (MANE Select); coding-DNA position 1814, T replaced by G.
Protein change: p.Leu605Arg; replaces leucine 605 with arginine.
Molecular consequence: missense variant.
Genome position (GRCh38, 1-based): chr16:2,116,027, A>C on the plus strand (T>G on the coding strand, the complement: PKD1 is on the minus strand). VCF-style: chr16-2116027-A-C. GRCh37 (hg19) VCF-style: chr16-2166028-A-C.
Other names: c.1814T>G, p.Leu605Arg (NM_000296.4); short protein forms L605R.
Identifiers: ClinVar variation 2507150 (VCV002507150.2), dbSNP rs2544865989, ClinGen allele CA394391068.

ClinVar aggregate classification (germline): Uncertain significance (1 of 4 stars; one submission).

Submission:

GeneDx
Classification: Uncertain significance. Last evaluated: 2023-07-10. Review status: criteria provided, single submitter. Criteria: GeneDx Variant Classification Process June 2021. Collection method: clinical testing. Allele origin: germline. Affected: yes.
Comment: Not observed at significant frequency in large population cohorts (gnomAD); In silico analysis supports that this missense variant has a deleterious effect on protein structure/function; This variant is associated with the following publications: (PMID: 17582161)